The following is an entry in ClinVar:

NM_021098.3(CACNA1H):c.5888-18G>T

Gene: CACNA1H (calcium voltage-gated channel subunit alpha1 H; plus strand). Cytogenetic location: 16p13.3.
Variant type: single nucleotide variant.
Coding change: c.5888-18G>T on transcript NM_021098.3 (MANE Select); 18 bases into the intron before coding-DNA position 5888, G replaced by T.
Molecular consequence: intron variant.
Genome position (GRCh38, 1-based): chr16:1,218,952, G>T. VCF-style: chr16-1218952-G-T. GRCh37 (hg19) VCF-style: chr16-1268952-G-T.
Other names: c.5870-18G>T (NM_001005407.2).
Identifiers: ClinVar variation 2938631 (VCV002938631.3), dbSNP rs911871887, ClinGen allele CA276612906.

ClinVar aggregate classification (germline): Uncertain significance (1 of 4 stars; one submission).

Conditions:
Hyperaldosteronism, familial, type IV (HALD4). Also called: FH IV; ALDOSTERONISM, PRIMARY, AND HYPERTENSION. Identifiers: Orphanet 642671, MedGen C4310756, MONDO:0014875, OMIM 617027.
Idiopathic generalized epilepsy. Also called: EIG; Generalised epilepsy. Identifiers: MedGen C0270850, MONDO:0005579, OMIM 600669.

Allele frequency attached by ClinVar (database versions not stated): gnomAD exomes below 0.00001; TOPMed below 0.00001.
gnomAD v4.1: 3 of 1,549,290 alleles (0.00019%); highest among the groups gnomAD compares: Non-Finnish European, 0.00017%; no homozygotes.

Submission:

Labcorp Genetics (formerly Invitae), Labcorp
Classification: Uncertain significance for Idiopathic generalized epilepsy; Hyperaldosteronism, familial, type IV. Last evaluated: 2023-07-29. Review status: criteria provided, single submitter. Criteria: Invitae Variant Classification Sherloc (09022015). Collection method: clinical testing. Allele origin: germline.
Comment: This variant has not been reported in the literature in individuals affected with CACNA1H-related conditions. In summary, the available evidence is currently insufficient to determine the role of this variant in disease. Therefore, it has been classified as a Variant of Uncertain Significance. Algorithms developed to predict the effect of sequence changes on RNA splicing suggest that this variant may disrupt the consensus splice site. This variant is present in population databases (no rsID available, gnomAD 0.002%). This sequence change falls in intron 33 of the CACNA1H gene. It does not directly change the encoded amino acid sequence of the CACNA1H protein.